The following is an entry in ClinVar:

ClinVar aggregate classification (germline): Likely benign (1 of 4 stars; one submission).

Allele frequency attached by ClinVar (database versions not stated): 1000 Genomes Project 30x 0.00031; ESP Exome Variant Server 0.00107; TOPMed 0.00141; gnomAD 0.00153; ExAC 0.00156; gnomAD exomes 0.00190.
gnomAD v4.1: 2,996 of 1,610,780 alleles (0.19%); highest among the groups gnomAD compares: Non-Finnish European, 0.23%; 3 homozygotes.

Submission:

CeGaT Center for Human Genetics Tuebingen
Classification: Likely benign. Last evaluated: 2022-03-01. Review status: criteria provided, single submitter. Criteria: CeGaT Center For Human Genetics Tuebingen Variant Classification Criteria Version 2. Collection method: clinical testing. Allele origin: germline. Affected: yes. Observed: 1 variant allele.
Comment: PDE4A: BP4, BP7

NM_001111307.2(PDE4A):c.741C>T (p.Thr247=)

Gene: PDE4A (phosphodiesterase 4A; plus strand). Cytogenetic location: 19p13.2.
Variant type: single nucleotide variant.
Coding change: c.741C>T on transcript NM_001111307.2 (MANE Select); coding-DNA position 741, C replaced by T.
Protein change: p.Thr247=; no amino-acid change (threonine 247 retained).
Molecular consequence: synonymous variant.
Genome position (GRCh38, 1-based): chr19:10,450,899, C>T. VCF-style: chr19-10450899-C-T. GRCh37 (hg19) VCF-style: chr19-10561575-C-T.
Other names: c.663C>T, p.Thr221= (NM_001111308.1); c.558C>T, p.Thr186= (NM_001111309.1); c.675C>T, p.Thr225= (NM_001243121.2).
Identifiers: ClinVar variation 2649292 (VCV002649292.24), dbSNP rs202117812, ClinGen allele CA9194757.